The following is an entry in ClinVar:

NM_001204.7(BMPR2):c.2556T>G (p.Ile852Met)

Gene: BMPR2 (bone morphogenetic protein receptor type 2; plus strand). Cytogenetic location: 2q33.2.
Variant type: single nucleotide variant.
Coding change: c.2556T>G on transcript NM_001204.7 (MANE Select); coding-DNA position 2556, T replaced by G.
Protein change: p.Ile852Met; replaces isoleucine 852 with methionine.
Molecular consequence: missense variant.
Genome position (GRCh38, 1-based): chr2:202,556,221, T>G. VCF-style: chr2-202556221-T-G. GRCh37 (hg19) VCF-style: chr2-203420944-T-G.
Other names: short protein forms I852M.
Identifiers: ClinVar variation 3481352 (VCV003481352.1).

ClinVar aggregate classification (germline): Uncertain significance (1 of 4 stars; one submission).

Conditions:
Inborn genetic diseases. Identifiers: MedGen C0950123, MeSH D030342.

Submission:

Ambry Genetics
Classification: Uncertain significance for Inborn genetic diseases. Last evaluated: 2024-12-08. Review status: criteria provided, single submitter. Criteria: Ambry Variant Classification Scheme 2023. Collection method: clinical testing. Allele origin: germline.
Comment: The p.I852M variant (also known as c.2556T>G), located in coding exon 12 of the BMPR2 gene, results from a T to G substitution at nucleotide position 2556. The isoleucine at codon 852 is replaced by methionine, an amino acid with highly similar properties. This amino acid position is conserved. In addition, this alteration is predicted to be tolerated by in silico analysis. Based on the available evidence, the clinical significance of this variant remains unclear.